The following is an entry in ClinVar:

ClinVar aggregate classification (germline): Uncertain significance (1 of 4 stars; one submission).

gnomAD v4.1: 2 of 1,613,596 alleles (0.00012%); highest among the groups gnomAD compares: Middle Eastern, 0.033%; no homozygotes.

Submission:

CeGaT Center for Human Genetics Tuebingen
Classification: Uncertain significance. Last evaluated: 2026-08-01. Review status: criteria provided, single submitter. Criteria: CeGaT Center For Human Genetics Tuebingen Variant Classification Criteria Version 2. Collection method: clinical testing. Allele origin: germline. Affected: yes. Observed: 1 variant allele.
Comment: KMT2C: PM2, PP2

NM_170606.3(KMT2C):c.1338T>A (p.Ser446Arg)

Gene: KMT2C (lysine methyltransferase 2C; minus strand). Cytogenetic location: 7q36.1.
Variant type: single nucleotide variant.
Coding change: c.1338T>A on transcript NM_170606.3 (MANE Select); coding-DNA position 1338, T replaced by A.
Protein change: p.Ser446Arg; replaces serine 446 with arginine.
Molecular consequence: missense variant.
Genome position (GRCh38, 1-based): chr7:152,252,677, A>T on the plus strand (T>A on the coding strand, the complement: KMT2C is on the minus strand). VCF-style: chr7-152252677-A-T. GRCh37 (hg19) VCF-style: chr7-151949762-A-T.
Other names: short protein forms S446R.
Identifiers: ClinVar variation 5040720 (VCV005040720.1).